The following is an entry in ClinVar:

ClinVar aggregate classification (germline): Uncertain significance (1 of 4 stars; one submission).

Submission:

CeGaT Center for Human Genetics Tuebingen
Classification: Uncertain significance. Last evaluated: 2024-01-01. Review status: criteria provided, single submitter. Criteria: CeGaT Center For Human Genetics Tuebingen Variant Classification Criteria Version 2. Collection method: clinical testing. Allele origin: germline. Affected: yes. Observed: 1 variant allele.
Comment: DNHD1: PM2, BP4

NM_144666.3(DNHD1):c.6451C>A (p.Gln2151Lys)

Gene: DNHD1 (dynein heavy chain domain 1; plus strand). Cytogenetic location: 11p15.4.
Variant type: single nucleotide variant.
Coding change: c.6451C>A on transcript NM_144666.3 (MANE Select); coding-DNA position 6451, C replaced by A.
Protein change: p.Gln2151Lys; replaces glutamine 2151 with lysine.
Molecular consequence: missense variant.
Genome position (GRCh38, 1-based): chr11:6,547,390, C>A. VCF-style: chr11-6547390-C-A. GRCh37 (hg19) VCF-style: chr11-6568620-C-A.
Other names: short protein forms Q2151K.
Identifiers: ClinVar variation 3026177 (VCV003026177.22), dbSNP rs2494039285, ClinGen allele CA379427365.